The following is an entry in ClinVar:

NM_000381.4(MID1):c.342C>T (p.Ala114=)

Gene: MID1 (midline 1; minus strand). Cytogenetic location: Xp22.2.
Variant type: single nucleotide variant.
Coding change: c.342C>T on transcript NM_000381.4 (MANE Select); coding-DNA position 342, C replaced by T.
Protein change: p.Ala114=; no amino-acid change (alanine 114 retained).
Molecular consequence: synonymous variant.
Genome position (GRCh38, 1-based): chrX:10,567,206, G>A on the plus strand (C>T on the coding strand, the complement: MID1 is on the minus strand). VCF-style: chrX-10567206-G-A. GRCh37 (hg19) VCF-style: chrX-10535246-G-A.
Other names: c.342C>T, p.Ala114= (NM_001098624.2, NM_001193277.1, NM_001193278.1 and 5 more transcripts).
Identifiers: ClinVar variation 211498 (VCV000211498.37), dbSNP rs765698306, ClinGen allele CA207779.

ClinVar aggregate classification (germline): Conflicting classifications of pathogenicity. Review status: criteria provided, conflicting classifications (1 of 4 stars). 3 submissions from 3 submitters: Uncertain significance (1); Likely benign (2). Last evaluated 2024-03-08.

Allele frequency attached by ClinVar (database versions not stated): ExAC 0.00001; gnomAD exomes 0.00003; TOPMed 0.00003; gnomAD 0.00005.
gnomAD v4.1: 43 of 1,209,538 alleles (0.0036%); highest among the groups gnomAD compares: Non-Finnish European, 0.0038%; no homozygotes.

Submissions (3):

Labcorp Genetics (formerly Invitae), Labcorp
Classification: Likely benign. Last evaluated: 2024-03-08. Review status: criteria provided, single submitter. Criteria: Invitae Variant Classification Sherloc (09022015). Collection method: clinical testing. Allele origin: germline.

CeGaT Center for Human Genetics Tuebingen
Classification: Likely benign. Last evaluated: 2022-12-01. Review status: criteria provided, single submitter. Criteria: CeGaT Center For Human Genetics Tuebingen Variant Classification Criteria Version 2. Collection method: clinical testing. Allele origin: germline. Affected: yes. Observed: 1 variant allele.
Comment: MID1: BP4, BP7, BS2

Genetic Services Laboratory, University of Chicago
Classification: Uncertain significance. Last evaluated: 2015-05-28. Review status: criteria provided, single submitter. Criteria: ACMG Guidelines, 2015. Collection method: clinical testing. Allele origin: germline.